The following is an entry in ClinVar:

NM_003900.5(SQSTM1):c.915G>C (p.Gln305His)

Gene: SQSTM1 (sequestosome 1; plus strand). Cytogenetic location: 5q35.3.
Variant type: single nucleotide variant.
Coding change: c.915G>C on transcript NM_003900.5 (MANE Select); coding-DNA position 915, G replaced by C.
Protein change: p.Gln305His; replaces glutamine 305 with histidine.
Molecular consequence: missense variant.
Genome position (GRCh38, 1-based): chr5:179,833,192, G>C. VCF-style: chr5-179833192-G-C. GRCh37 (hg19) VCF-style: chr5-179260192-G-C.
Other names: c.663G>C, p.Gln221His (NM_001142298.2, NM_001142299.2); short protein forms Q221H, Q305H.
Identifiers: ClinVar variation 3347710 (VCV003347710.1).

ClinVar aggregate classification (germline): Uncertain significance (0 of 4 stars; one submission).

Conditions:
SQSTM1-related disorder. Also called: SQSTM1-Related Disorders.

gnomAD v4.1: 1 of 1,613,150 alleles (0.000062%); highest among the groups gnomAD compares: Non-Finnish European, 0.000085%; no homozygotes.

Submission:

PreventionGenetics, part of Exact Sciences
Classification: Uncertain significance for SQSTM1-related condition. Last evaluated: 2024-09-17. Review status: no assertion criteria provided. Collection method: clinical testing. Allele origin: germline.
Comment: The SQSTM1 c.915G>C variant is predicted to result in the amino acid substitution p.Gln305His. To our knowledge, this variant has not been reported in the literature or in a large population database, indicating this variant is rare. At this time, the clinical significance of this variant is uncertain due to the absence of conclusive functional and genetic evidence.